The following is an entry in ClinVar:

NM_000165.5(GJA1):c.643G>A (p.Val215Met)

Gene: GJA1 (gap junction protein alpha 1; plus strand). Cytogenetic location: 6q22.31.
Variant type: single nucleotide variant.
Coding change: c.643G>A on transcript NM_000165.5 (MANE Select); coding-DNA position 643, G replaced by A.
Protein change: p.Val215Met; replaces valine 215 with methionine.
Molecular consequence: missense variant.
Genome position (GRCh38, 1-based): chr6:121,447,490, G>A. VCF-style: chr6-121447490-G-A. GRCh37 (hg19) VCF-style: chr6-121768636-G-A.
Other names: short protein forms V215M.
Identifiers: ClinVar variation 580570 (VCV000580570.8), dbSNP rs1390364475, ClinGen allele CA365559474.

ClinVar aggregate classification (germline): Uncertain significance. Review status: criteria provided, multiple submitters, no conflicts (2 of 4 stars). 2 submissions from 2 submitters: Uncertain significance (2). Last evaluated 2018-09-19.

Conditions:
Oculodentodigital dysplasia, autosomal recessive. Also called: OCULODENTOOSSEOUS DYSPLASIA, AUTOSOMAL RECESSIVE; ODDD, AUTOSOMAL RECESSIVE; ODOD, AUTOSOMAL RECESSIVE. Identifiers: Orphanet 2710, MedGen C2749477, MONDO:0009768, OMIM 257850.

Allele frequency attached by ClinVar (database versions not stated): TOPMed 0.00001.

Submissions (2):

Blueprint Genetics
Classification: Uncertain significance. Last evaluated: 2018-09-19. Review status: criteria provided, single submitter. Criteria: ACMG Guidelines, 2015. Collection method: clinical testing. Allele origin: germline.

Labcorp Genetics (formerly Invitae), Labcorp
Classification: Uncertain significance for Oculodentodigital dysplasia, autosomal recessive. Last evaluated: 2018-06-01. Review status: criteria provided, single submitter. Criteria: Invitae Variant Classification Sherloc (09022015). Collection method: clinical testing. Allele origin: germline.
Comment: This sequence change replaces valine with methionine at codon 215 of the GJA1 protein (p.Val215Met). The valine residue is highly conserved and there is a small physicochemical difference between valine and methionine. This variant is not present in population databases (ExAC no frequency). This variant has not been reported in the literature in individuals with GJA1-related disease. Algorithms developed to predict the effect of missense changes on protein structure and function do not agree on the potential impact of this missense change (SIFT: "Deleterious"; PolyPhen-2: "Probably Damaging"; Align-GVGD: "Class C0"). In summary, the available evidence is currently insufficient to determine the role of this variant in disease. Therefore, it has been classified as a Variant of Uncertain Significance.